The following is an entry in ClinVar:

NC_000022.10:g.(?_29083885)_(29121365_?)dup

Gene: CHEK2 (checkpoint kinase 2; minus strand). Cytogenetic location: 22q12.1.
Variant type: Duplication.
Identifiers: ClinVar variation 1054404 (VCV001054404.6).

ClinVar aggregate classification (germline): Uncertain significance (1 of 4 stars; one submission).

Conditions:
Familial cancer of breast. Also called: BREAST CANCER, FAMILIAL; Hereditary breast cancer; hereditary breast carcinoma. Identifiers: Orphanet 227535, MedGen C0346153, MONDO:0016419, OMIM 114480. Disease mechanism: loss of function.

Submission:

Labcorp Genetics (formerly Invitae), Labcorp
Classification: Uncertain significance for Familial cancer of breast. Last evaluated: 2022-10-30. Review status: criteria provided, single submitter. Criteria: Invitae Variant Classification Sherloc (09022015). Collection method: clinical testing. Allele origin: germline.
Comment: This variant results in a copy number gain of the genomic region encompassing exon(s) 3-15 of the CHEK2 gene. This region includes the termination codon of the gene. This copy number gain extends beyond the assayed region for this gene and therefore may encompass additional genes. As the precise location of this event is unknown, it may be in tandem or it may be located elsewhere in the genome. This variant has not been reported in the literature in individuals affected with CHEK2-related conditions. Experimental studies and prediction algorithms are not available or were not evaluated, and the functional significance of this variant is currently unknown. In summary, the available evidence is currently insufficient to determine the role of this variant in disease. Therefore, it has been classified as a Variant of Uncertain Significance.